The following is an entry in ClinVar:

NM_018082.6(POLR3B):c.2486A>G (p.Asn829Ser)

Gene: POLR3B (RNA polymerase III subunit B; plus strand). Cytogenetic location: 12q23.3.
Variant type: single nucleotide variant.
Coding change: c.2486A>G on transcript NM_018082.6 (MANE Select); coding-DNA position 2486, A replaced by G.
Protein change: p.Asn829Ser; replaces asparagine 829 with serine.
Molecular consequence: missense variant.
Genome position (GRCh38, 1-based): chr12:106,459,284, A>G. VCF-style: chr12-106459284-A-G. GRCh37 (hg19) VCF-style: chr12-106853062-A-G.
Other names: c.2312A>G, p.Asn771Ser (NM_001160708.2); short protein forms N771S, N829S.
Identifiers: ClinVar variation 1389807 (VCV001389807.9), dbSNP rs200502989, ClinGen allele CA6762212.

ClinVar aggregate classification (germline): Uncertain significance. Review status: criteria provided, multiple submitters, no conflicts (2 of 4 stars). 2 submissions from 2 submitters: Uncertain significance (2). Last evaluated 2026-01-27.

Conditions:
Charcot-Marie-Tooth disease, demyelinating, IIA 1I. Also called: CHARCOT-MARIE-TOOTH NEUROPATHY, TYPE 1I; Charcot-Marie-Tooth disease, demyelinating, type 1I. Identifiers: MedGen C5676914, MONDO:0030677, OMIM 619742.

Allele frequency attached by ClinVar (database versions not stated): TOPMed 0.00002; gnomAD exomes 0.00005 and 0.00010; gnomAD 0.00008 and 0.00010; ExAC 0.00016.
gnomAD v4.1: 97 of 1,609,018 alleles (0.006%); highest among the groups gnomAD compares: Non-Finnish European, 0.0065%; no homozygotes.

Submissions (3):

Dasa
Classification: Uncertain significance for Charcot-Marie-Tooth disease, demyelinating, IIA 1I. Last evaluated: 2026-01-27. Review status: criteria provided, single submitter. Criteria: DASA Assertion Criteria. Collection method: clinical testing. Allele origin: germline.
Comment: NM_018082.6(POLR3B):c.2486A>G (p.Asn829Ser) is a missense variant that results in the substitution of asparagine with serine. The affected residue or protein region has prior evidence supporting clinical relevance. This variant is rare in population databases. The currently available literature and clinical evidence are not sufficient to establish a definitive association between this variant and the reported condition. Therefore, this variant is classified as a variant of uncertain significance.

Labcorp Genetics (formerly Invitae), Labcorp
Classification: Uncertain significance. Last evaluated: 2025-06-09. Review status: criteria provided, single submitter. Criteria: Invitae Variant Classification Sherloc (09022015). Collection method: clinical testing. Allele origin: germline.
Comment: This sequence change replaces asparagine, which is neutral and polar, with serine, which is neutral and polar, at codon 829 of the POLR3B protein (p.Asn829Ser). This variant is present in population databases (rs200502989, gnomAD 0.02%). This variant has not been reported in the literature in individuals affected with POLR3B-related conditions. ClinVar contains an entry for this variant (Variation ID: 1389807). Invitae Evidence Modeling of protein sequence and biophysical properties (such as structural, functional, and spatial information, amino acid conservation, physicochemical variation, residue mobility, and thermodynamic stability) indicates that this missense variant is expected to disrupt POLR3B protein function with a positive predictive value of 80%. In summary, the available evidence is currently insufficient to determine the role of this variant in disease. Therefore, it has been classified as a Variant of Uncertain Significance.

Dr. Peter K. Rogan Lab, Western University
No classification provided (evidence only). Condition: Colorectal cancer. Review status: no classification provided. Collection method: in vitro. Allele origin: not applicable. Functional consequence: retained intron. Not counted in ClinVar's aggregate classification.